The following is an entry in ClinVar:

ClinVar aggregate classification (germline): Uncertain significance (1 of 4 stars; one submission).

Submission:

Ambry Genetics
Classification: Uncertain significance. Last evaluated: 2025-03-01. Review status: criteria provided, single submitter. Criteria: Ambry Variant Classification Scheme 2023. Collection method: clinical testing. Allele origin: germline.
Comment: The p.H337D variant (also known as c.1009C>G), located in coding exon 10 of the SRP72 gene, results from a C to G substitution at nucleotide position 1009. The histidine at codon 337 is replaced by aspartic acid, an amino acid with similar properties. This amino acid position is conserved. In addition, the in silico prediction for this alteration is inconclusive. Based on the available evidence, the clinical significance of this variant remains unclear.

NM_006947.4(SRP72):c.1009C>G (p.His337Asp)

Gene: SRP72 (signal recognition particle 72; plus strand). Cytogenetic location: 4q12.
Variant type: single nucleotide variant.
Coding change: c.1009C>G on transcript NM_006947.4 (MANE Select); coding-DNA position 1009, C replaced by G.
Protein change: p.His337Asp; replaces histidine 337 with aspartic acid.
Molecular consequence: missense variant. On other transcripts: non-coding transcript variant (1).
Genome position (GRCh38, 1-based): chr4:56,484,787, C>G. VCF-style: chr4-56484787-C-G. GRCh37 (hg19) VCF-style: chr4-57350953-C-G.
Other names: c.826C>G, p.His276Asp (NM_001267722.2); short protein forms H276D, H337D.
Identifiers: ClinVar variation 3801506 (VCV003801506.1).